The following is an entry in ClinVar:

NM_003477.3(PDHX):c.786A>G (p.Pro262=)

Gene: PDHX (pyruvate dehydrogenase complex component X; plus strand). Cytogenetic location: 11p13.
Variant type: single nucleotide variant.
Coding change: c.786A>G on transcript NM_003477.3 (MANE Select); coding-DNA position 786, A replaced by G.
Protein change: p.Pro262=; no amino-acid change (proline 262 retained).
Molecular consequence: synonymous variant. On other transcripts: intron variant (1).
Genome position (GRCh38, 1-based): chr11:34,966,784, A>G. VCF-style: chr11-34966784-A-G. GRCh37 (hg19) VCF-style: chr11-34988331-A-G.
Other names: c.606A>G, p.Pro202= (NM_001135024.2); c.343-17786A>G (NM_001166158.2).
Identifiers: ClinVar variation 2198377 (VCV002198377.4), dbSNP rs1855142955, ClinGen allele CA473615583.

ClinVar aggregate classification (germline): Uncertain significance (1 of 4 stars; one submission).

Allele frequency attached by ClinVar (database versions not stated): TOPMed 0.00001.
gnomAD v4.1: 2 of 1,613,988 alleles (0.00012%); highest among the groups gnomAD compares: Admixed American, 0.0017%; no homozygotes.

Submission:

Labcorp Genetics (formerly Invitae), Labcorp
Classification: Uncertain significance. Last evaluated: 2023-06-29. Review status: criteria provided, single submitter. Criteria: Invitae Variant Classification Sherloc (09022015). Collection method: clinical testing. Allele origin: germline.
Comment: This variant has not been reported in the literature in individuals affected with PDHX-related conditions. This variant is not present in population databases (gnomAD no frequency). This sequence change affects codon 262 of the PDHX mRNA. It is a 'silent' change, meaning that it does not change the encoded amino acid sequence of the PDHX protein. ClinVar contains an entry for this variant (Variation ID: 2198377). In summary, the available evidence is currently insufficient to determine the role of this variant in disease. Therefore, it has been classified as a Variant of Uncertain Significance. Algorithms developed to predict the effect of sequence changes on RNA splicing suggest that this variant may create or strengthen a splice site.